The following is an entry in ClinVar:

NM_015720.4(PODXL2):c.42_53dup (p.Leu18_Leu19insSerProLeuLeu)

Gene: PODXL2 (podocalyxin like 2; plus strand). Cytogenetic location: 3q21.3.
Variant type: Duplication.
Coding change: c.42_53dup on transcript NM_015720.4 (MANE Select); coding-DNA positions 42 to 53, 12 bases duplicated (TTCGCCGCTGCT).
Protein change: p.Leu18_Leu19insSerProLeuLeu.
Molecular consequence: inframe insertion.
Genome position (GRCh38, 1-based): chr3:127,629,261-127,629,272, TTCGCCGCTGCT duplicated; duplicating any 12 consecutive bases within chr3:127,629,251-127,629,272 gives the same sequence; the c. name uses the placement nearest the transcript's 3' end. VCF-style (leftmost placement, unchanged base first): chr3-127629250-C-CCGCCGCTGCTTT. GRCh37 (hg19) VCF-style: chr3-127348093-C-CCGCCGCTGCTTT.
Identifiers: ClinVar variation 4820935 (VCV004820935.4).

ClinVar aggregate classification (germline): Likely benign (1 of 4 stars; one submission).

Submission:

CeGaT Center for Human Genetics Tuebingen
Classification: Likely benign. Last evaluated: 2026-02-01. Review status: criteria provided, single submitter. Criteria: CeGaT Center For Human Genetics Tuebingen Variant Classification Criteria Version 2. Collection method: clinical testing. Allele origin: germline. Affected: yes. Observed: 1 variant allele.
Comment: PODXL2: BS2